The following is an entry in ClinVar:

NM_000368.5(TSC1):c.2407dup (p.Cys803fs)

Gene: TSC1 (TSC complex subunit 1; minus strand). Cytogenetic location: 9q34.13.
Variant type: Duplication.
Coding change: c.2407dup on transcript NM_000368.5 (MANE Select); coding-DNA position 2407, one base duplicated (T; older notation c.2407dupT).
Protein change: p.Cys803fs; shifts the reading frame from cysteine 803.
Molecular consequence: frameshift variant. On other transcripts: non-coding transcript variant (5).
Genome position (GRCh38, 1-based): chr9:132,901,684, A duplicated on the plus strand (T on the coding strand, the reverse complement: TSC1 is on the minus strand). VCF-style (leftmost placement, unchanged base first): chr9-132901683-C-CA. GRCh37 (hg19) VCF-style: chr9-135777070-C-CA.
Other names: c.2404dup, p.Cys802fs (NM_001162426.2, NM_001406597.1, NM_001406598.1 and 4 more transcripts); c.2254dup, p.Cys752fs (NM_001162427.2, NM_001406610.1); c.2044dup, p.Cys682fs (NM_001362177.2, NM_001406614.1, NM_001406615.1 and 5 more transcripts); c.2407dup, p.Cys803fs (NM_001406592.1, NM_001406593.1, NM_001406594.1 and 5 more transcripts); c.2392dup, p.Cys798fs (NM_001406601.1, NM_001406602.1); c.2389dup, p.Cys797fs (NM_001406603.1, NM_001406604.1); c.2251dup, p.Cys751fs (NM_001406611.1, NM_001406612.1, NM_001406613.1); c.2041dup, p.Cys681fs (NM_001406620.1, NM_001406621.1, NM_001406622.1 and 2 more transcripts); and 3 more; short protein forms C751fs, C452fs, C485fs, C681fs, C752fs, C486fs, C798fs, C803fs.
Identifiers: ClinVar variation 4974490 (VCV004974490.1).

ClinVar aggregate classification (germline): Pathogenic (1 of 4 stars; one submission).

Conditions:
Tuberous sclerosis 1 (TSC1). Identifiers: Orphanet 805, MedGen C1854465, MONDO:0008612, OMIM 191100.

Submission:

Clinical Genetics Laboratory, Skane University Hospital Lund
Classification: Pathogenic for Tuberous sclerosis 1. Last evaluated: 2026-08-13. Review status: criteria provided, single submitter. Criteria: ACMG Guidelines, 2015. Collection method: clinical testing. Allele origin: germline. Affected: yes.
Comment: ACMG criteria used: PVS1, PM2, PP1 and PP4_Strong.